The following is an entry in ClinVar:

NM_001128159.3(VPS53):c.2085+186G>A

Gene: VPS53 (VPS53 subunit of GARP complex; minus strand). Cytogenetic location: 17p13.3.
Variant type: single nucleotide variant.
Coding change: c.2085+186G>A on transcript NM_001128159.3 (MANE Select); 186 bases into the intron after coding-DNA position 2085, G replaced by A.
Molecular consequence: intron variant. On other transcripts: 3 prime UTR variant (3).
Genome position (GRCh38, 1-based): chr17:532,656, C>T on the plus strand (G>A on the coding strand, the complement: VPS53 is on the minus strand). VCF-style: chr17-532656-C-T. GRCh37 (hg19) VCF-style: chr17-435896-C-T.
Other names: c.*171G>A (NM_001366253.2, NM_001366254.2, NM_018289.4).
Identifiers: ClinVar variation 670270 (VCV000670270.2), dbSNP rs11650424, ClinGen allele CA14500898.

ClinVar aggregate classification (germline): Benign. Review status: criteria provided, multiple submitters, no conflicts (2 of 4 stars). 2 submissions from 2 submitters: Benign (2). Last evaluated 2018-06-19.

Allele frequency attached by ClinVar (database versions not stated): gnomAD 0.24193 and 0.24452; TOPMed 0.24570; 1000 Genomes Project 30x 0.26171; 1000 Genomes Project 0.26298.
gnomAD v4.1: 337,023 of 1,394,306 alleles (24%); highest among the groups gnomAD compares: Admixed American, 32%; 41,641 homozygotes.

Submissions (2):

GeneDx
Classification: Benign. Last evaluated: 2018-06-19. Review status: criteria provided, single submitter. Criteria: GeneDx Variant Classification (06012015). Collection method: clinical testing. Allele origin: germline. Affected: yes.
Comment: This variant is considered likely benign or benign based on one or more of the following criteria: it is a conservative change, it occurs at a poorly conserved position in the protein, it is predicted to be benign by multiple in silico algorithms, and/or has population frequency not consistent with disease.

Breakthrough Genomics
Classification: Benign. Review status: criteria provided, single submitter. Criteria: ACMG Guidelines, 2015. Collection method: not provided. Allele origin: germline. Inheritance: Autosomal recessive inheritance. Affected: yes.